The following is an entry in ClinVar:

ClinVar aggregate classification (germline): Uncertain significance. Review status: criteria provided, multiple submitters, no conflicts (2 of 4 stars). 5 submissions from 5 submitters: Uncertain significance (4). 1 of the submissions does not count toward it. Last evaluated 2025-03-30.

Conditions:
Hereditary cancer-predisposing syndrome. Also called: Neoplastic Syndromes, Hereditary; Tumor predisposition; Hereditary Cancer Syndrome; Hereditary neoplastic syndrome. Identifiers: Orphanet 140162, MedGen C0027672, MeSH D009386, MONDO:0015356.
Familial adenomatous polyposis 1 (FAP1). Also called: FAMILIAL ADENOMATOUS POLYPOSIS 1, ATTENUATED; POLYPOSIS, ADENOMATOUS INTESTINAL. Identifiers: MedGen C2713442, MONDO:0021056, OMIM 175100. Disease mechanism: loss of function.
Endometrial carcinoma. Also called: Endometrial carcinoma, somatic. Identifiers: MedGen C0476089, MONDO:0002447, OMIM 608089, HP:0012114.

Allele frequency attached by ClinVar (database versions not stated): gnomAD exomes 0.00001.
gnomAD v4.1: 3 of 1,613,510 alleles (0.00019%); highest among the groups gnomAD compares: Non-Finnish European, 0.00025%; no homozygotes.

Submissions (5):

Labcorp Genetics (formerly Invitae), Labcorp
Classification: Uncertain significance for Familial adenomatous polyposis 1. Last evaluated: 2025-03-30. Review status: criteria provided, single submitter. Criteria: Invitae Variant Classification Sherloc (09022015). Collection method: clinical testing. Allele origin: germline.
Comment: This sequence change replaces leucine, which is neutral and non-polar, with proline, which is neutral and non-polar, at codon 2144 of the APC protein (p.Leu2144Pro). This variant is not present in population databases (gnomAD no frequency). This variant has not been reported in the literature in individuals affected with APC-related conditions. ClinVar contains an entry for this variant (Variation ID: 187631). Invitae Evidence Modeling of protein sequence and biophysical properties (such as structural, functional, and spatial information, amino acid conservation, physicochemical variation, residue mobility, and thermodynamic stability) indicates that this missense variant is not expected to disrupt APC protein function with a negative predictive value of 95%. In summary, the available evidence is currently insufficient to determine the role of this variant in disease. Therefore, it has been classified as a Variant of Uncertain Significance.

Ambry Genetics
Classification: Uncertain significance for Hereditary cancer-predisposing syndrome. Last evaluated: 2024-09-27. Review status: criteria provided, single submitter. Criteria: Ambry Variant Classification Scheme 2023. Collection method: clinical testing. Allele origin: germline.
Comment: The p.L2144P variant (also known as c.6431T>C), located in coding exon 15 of the APC gene, results from a T to C substitution at nucleotide position 6431. The leucine at codon 2144 is replaced by proline, an amino acid with similar properties. This variant was also observed in 1/3251 individuals who met eligibility criteria for hereditary breast and ovarian cancer syndrome (Lerner-Ellis J et al. J Cancer Res Clin Oncol, 2021 Mar;147:871-879).This amino acid position is highly conserved in available vertebrate species. Missense alterations in APC are not a common cause of disease (Spier I et al. Genet Med. 2024 Feb;26(2):100992). In addition, in silico predictors for this gene do not accurately predict pathogenicity. Since supporting evidence is limited at this time, the clinical significance of this alteration remains unclear.

Molecular Pathology, Peter Maccallum Cancer Centre
Classification: Uncertain significance for Familial adenomatous polyposis 1. Last evaluated: 2024-04-30. Review status: criteria provided, single submitter. Criteria: ACMG Guidelines, 2015. Collection method: clinical testing. Allele origin: germline. Inheritance: Autosomal dominant inheritance.

Color Diagnostics, LLC DBA Color Health
Classification: Uncertain significance for Hereditary cancer-predisposing syndrome. Last evaluated: 2022-12-13. Review status: criteria provided, single submitter. Criteria: ACMG Guidelines, 2015. Collection method: clinical testing. Allele origin: germline.
Comment: This missense variant replaces leucine with proline at codon 2144 of the APC protein. Computational prediction suggests that this variant may not impact protein structure and function (internally defined REVEL score threshold <= 0.5, PMID: 27666373). To our knowledge, functional studies have not been reported for this variant. This variant has been reported in an individual affected with endometrial, breast and colon cancer that also harbored a homozygous truncation in MUTYH (MUTYH c.1227_1228dup, Glu410Glyfs*43; PMID: 32885271). This variant has not been identified in the general population by the Genome Aggregation Database (gnomAD). The available evidence is insufficient to determine the role of this variant in disease conclusively. Therefore, this variant is classified as a Variant of Uncertain Significance.

Department of Pathology and Laboratory Medicine, Sinai Health System
Classification: Uncertain significance for Endometrial carcinoma. Review status: no assertion criteria provided. Collection method: clinical testing. Allele origin: unknown. Affected: yes. Study: The Canadian Open Genetics Repository (COGR). Not counted in ClinVar's aggregate classification.
Comment: The APC p.Leu2144Pro variant was not identified in the literature nor was it identified in the LOVD 3.0 or UMD-LSDB databases. The variant was identified in dbSNP (ID: rs786203880) as "With Uncertain significance allele" and ClinVar (classified as uncertain significance by Ambry Genetics). The variant was not identified in the following control databases: the Exome Aggregation Consortium (August 8th 2016) or the Genome Aggregation Database (Feb 27, 2017). The p.Leu2144 residue is conserved in mammals but not in more distantly related organisms, and four out of five computational analyses (PolyPhen-2, SIFT, AlignGVGD, BLOSUM, MutationTaster) suggest that the Pro variant may impact the protein; however, this information is not predictive enough to assume pathogenicity. The variant occurs outside of the splicing consensus sequence and in silico or computational prediction software programs (SpliceSiteFinder, MaxEntScan, NNSPLICE, GeneSplicer) do not predict a difference in splicing. In summary, based on the above information, the clinical significance of this variant cannot be determined with certainty at this time. This variant is classified as a variant of uncertain significance.

Literature cited by the submitters: PubMed 32885271 (cited by Ambry Genetics).

NM_000038.6(APC):c.6431T>C (p.Leu2144Pro)

Gene: APC (APC regulator of Wnt signaling pathway; plus strand). Cytogenetic location: 5q22.2.
Variant type: single nucleotide variant.
Coding change: c.6431T>C on transcript NM_000038.6 (MANE Select); coding-DNA position 6431, T replaced by C.
Protein change: p.Leu2144Pro; replaces leucine 2144 with proline.
Molecular consequence: missense variant.
Genome position (GRCh38, 1-based): chr5:112,842,025, T>C. VCF-style: chr5-112842025-T-C. GRCh37 (hg19) VCF-style: chr5-112177722-T-C.
Other names: c.6431T>C, p.Leu2144Pro (NM_001127510.3, NM_001354895.2); c.6377T>C, p.Leu2126Pro (NM_001127511.3); c.6485T>C, p.Leu2162Pro (NM_001354896.2); c.6461T>C, p.Leu2154Pro (NM_001354897.2); c.6356T>C, p.Leu2119Pro (NM_001354898.2); c.6347T>C, p.Leu2116Pro (NM_001354899.2); c.6308T>C, p.Leu2103Pro (NM_001354900.2); c.6254T>C, p.Leu2085Pro (NM_001354901.2); and 5 more; short protein forms L2126P, L2144P, L2162P, L1861P, L1984P, L2103P, L2053P, L2154P.
Identifiers: ClinVar variation 187631 (VCV000187631.18), dbSNP rs786203880, ClinGen allele CA011168.